The following is an entry in ClinVar:

NM_000038.6(APC):c.2681T>A (p.Val894Glu)

Gene: APC (APC regulator of Wnt signaling pathway; plus strand). Cytogenetic location: 5q22.2.
Variant type: single nucleotide variant.
Coding change: c.2681T>A on transcript NM_000038.6 (MANE Select); coding-DNA position 2681, T replaced by A.
Protein change: p.Val894Glu; replaces valine 894 with glutamic acid.
Molecular consequence: missense variant. On other transcripts: non-coding transcript variant (2).
Genome position (GRCh38, 1-based): chr5:112,838,275, T>A. VCF-style: chr5-112838275-T-A. GRCh37 (hg19) VCF-style: chr5-112173972-T-A.
Other names: c.2681T>A, p.Val894Glu (NM_001127510.3, NM_001354895.2, NM_001407450.1); c.2627T>A, p.Val876Glu (NM_001127511.3); c.2735T>A, p.Val912Glu (NM_001354896.2, NM_001407447.1, NM_001407448.1 and 1 more transcripts); c.2711T>A, p.Val904Glu (NM_001354897.2); c.2606T>A, p.Val869Glu (NM_001354898.2); c.2597T>A, p.Val866Glu (NM_001354899.2); c.2558T>A, p.Val853Glu (NM_001354900.2); c.2504T>A, p.Val835Glu (NM_001354901.2, NM_001407453.1); and 11 more; short protein forms V768E, V811E, V835E, V853E, V922E, V611E, V803E, V884E.
Identifiers: ClinVar variation 3928181 (VCV003928181.1).

ClinVar aggregate classification (germline): Uncertain significance (1 of 4 stars; one submission).

Conditions:
Hereditary cancer-predisposing syndrome. Also called: Hereditary Cancer Syndrome; Hereditary neoplastic syndrome; Neoplastic Syndromes, Hereditary; Tumor predisposition. Identifiers: Orphanet 140162, MedGen C0027672, MeSH D009386, MONDO:0015356.

Submission:

Ambry Genetics
Classification: Uncertain significance for Hereditary cancer-predisposing syndrome. Last evaluated: 2025-03-26. Review status: criteria provided, single submitter. Criteria: Ambry Variant Classification Scheme 2023. Collection method: clinical testing. Allele origin: germline.
Comment: The p.V894E variant (also known as c.2681T>A), located in coding exon 15 of the APC gene, results from a T to A substitution at nucleotide position 2681. The valine at codon 894 is replaced by glutamic acid, an amino acid with dissimilar properties. This amino acid position is conserved. In addition, in silico predictors for this gene do not accurately predict pathogenicity. Based on the available evidence, the clinical significance of this variant remains unclear.